The following is an entry in ClinVar:

ClinVar aggregate classification (germline): Likely benign. Review status: criteria provided, multiple submitters, no conflicts (2 of 4 stars). 4 submissions from 4 submitters: Likely benign (4). Last evaluated 2026-06-01.

Conditions:
Neurodevelopmental disorder with progressive spasticity and brain white matter abnormalities. Also called: CEREBRAL PALSY, SPASTIC QUADRIPLEGIC, 1. Identifiers: Orphanet 210141, Orphanet 641353, MedGen C5436628, MONDO:0033613, OMIM 619026.

Allele frequency attached by ClinVar (database versions not stated): 1000 Genomes Project 0.00080; 1000 Genomes Project 30x 0.00094; TOPMed 0.00115; ESP Exome Variant Server 0.00154; gnomAD 0.00179 and 0.00202; gnomAD exomes 0.00196 and 0.00246; ExAC 0.00236.
gnomAD v4.1: 3,188 of 1,614,116 alleles (0.2%); highest among the groups gnomAD compares: South Asian, 0.6%; 17 homozygotes.

Submissions (7):

CeGaT Center for Human Genetics Tuebingen
Classification: Likely benign. Last evaluated: 2026-06-01. Review status: criteria provided, single submitter. Criteria: CeGaT Center For Human Genetics Tuebingen Variant Classification Criteria Version 2. Collection method: clinical testing. Allele origin: germline. Affected: yes. Observed: 11 variant alleles.
Comment: GAD1: BP4, BS2

Labcorp Genetics (formerly Invitae), Labcorp
Classification: Likely benign for Neurodevelopmental disorder with progressive spasticity and brain white matter abnormalities. Last evaluated: 2026-01-19. Review status: criteria provided, single submitter. Criteria: Invitae Variant Classification Sherloc (09022015). Collection method: clinical testing. Allele origin: germline.

Illumina Laboratory Services, Illumina
Classification: Likely benign. Last evaluated: 2018-01-13. Review status: criteria provided, single submitter. Criteria: ICSL Variant Classification Criteria 13 December 2019. Collection method: clinical testing. Allele origin: germline.
Comment: This variant was observed in the ICSL laboratory as part of a predisposition screen in an ostensibly healthy population. It had not been previously curated by ICSL or reported in the Human Gene Mutation Database (HGMD: prior to June 1st, 2018), and was therefore a candidate for classification through an automated scoring system. Utilizing variant allele frequency, disease prevalence and penetrance estimates, and inheritance mode, an automated score was calculated to assess if this variant is too frequent to cause the disease. Based on the score and internal cut-off values, a variant classified as likely benign is not then subjected to further curation. The score for this variant resulted in a classification of likely benign for this disease.

Breakthrough Genomics
Classification: Likely benign. Review status: criteria provided, single submitter. Criteria: ACMG Guidelines, 2015. Collection method: not provided. Allele origin: germline. Inheritance: Autosomal recessive inheritance. Affected: yes.

Dr. Peter K. Rogan Lab, Western University
No classification provided (evidence only). Condition: Lung cancer. Review status: no classification provided. Collection method: in vitro. Allele origin: not applicable. Functional consequence: retained intron. Not counted in ClinVar's aggregate classification.

Dr. Peter K. Rogan Lab, Western University
No classification provided (evidence only). Condition: Melanoma. Review status: no classification provided. Collection method: in vitro. Allele origin: not applicable. Functional consequence: retained intron. Not counted in ClinVar's aggregate classification.

Dr. Peter K. Rogan Lab, Western University
No classification provided (evidence only). Condition: Gastric cancer. Review status: no classification provided. Collection method: in vitro. Allele origin: not applicable. Functional consequence: retained intron. Not counted in ClinVar's aggregate classification.

NM_000817.3(GAD1):c.1612-3A>G

Gene: GAD1 (glutamate decarboxylase 1; plus strand). Cytogenetic location: 2q31.1.
Variant type: single nucleotide variant.
Coding change: c.1612-3A>G on transcript NM_000817.3 (MANE Select); 3 bases into the intron before coding-DNA position 1612, A replaced by G.
Molecular consequence: intron variant.
Genome position (GRCh38, 1-based): chr2:170,859,706, A>G. VCF-style: chr2-170859706-A-G. GRCh37 (hg19) VCF-style: chr2-171716216-A-G.
Identifiers: ClinVar variation 332242 (VCV000332242.43), dbSNP rs113828797, ClinGen allele CA1963013.